The following is an entry in ClinVar:

NM_000875.5(IGF1R):c.1500G>A (p.Thr500=)

Gene: IGF1R (insulin like growth factor 1 receptor; plus strand). Cytogenetic location: 15q26.3.
Variant type: single nucleotide variant.
Coding change: c.1500G>A on transcript NM_000875.5 (MANE Select); coding-DNA position 1500, G replaced by A.
Protein change: p.Thr500=; no amino-acid change (threonine 500 retained).
Molecular consequence: synonymous variant.
Genome position (GRCh38, 1-based): chr15:98,911,352, G>A. VCF-style: chr15-98911352-G-A. GRCh37 (hg19) VCF-style: chr15-99454581-G-A.
Other names: c.1500G>A (NM_000875.4); c.1500G>A, p.Thr500= (NM_001291858.2).
Identifiers: ClinVar variation 596864 (VCV000596864.41), dbSNP rs370500527, ClinGen allele CA7752116.
Genomic context (GRCh38, chr15:98,911,352, plus strand): 5'-CACGGATGTACTCTTTGCCCCAGGTGAAAGTGACGTCCTGCATTTCACCTCCACCACCAC[G>A]TCGAAGAATCGCATCATCATAACCTGGCACCGGTACCGGCCCCCTGACTACAGGGATCTC-3'
Protein context (NP_000866.1, residues 490-510): SDVLHFTSTT[Thr500=]SKNRIIITWH

ClinVar aggregate classification (germline): Conflicting classifications of pathogenicity. Review status: criteria provided, conflicting classifications (1 of 4 stars). 6 submissions from 6 submitters: Uncertain significance (2); Likely benign (3). 1 of the submissions does not count toward it. Last evaluated 2025-12-01.

Conditions:
IGF1R-related disorder. Also called: IGF1R-related condition.
Growth delay due to insulin-like growth factor I resistance. Also called: Insulin-Like Growth Factor I Resistance; IGF-I RESISTANCE; Somatomedin end-organ insensitivity to; Somatomedin-c resistance to; IGF-1 resistance. Identifiers: Orphanet 73273, MedGen C1849157, MONDO:0010038, OMIM 270450.

Allele frequency attached by ClinVar (database versions not stated): gnomAD exomes 0.00012; ExAC 0.00015; ESP Exome Variant Server 0.00015; TOPMed 0.00017; gnomAD 0.00022.
gnomAD v4.1: 160 of 1,614,090 alleles (0.0099%); highest among the groups gnomAD compares: Middle Eastern, 0.64%; 2 homozygotes.

Submissions (6):

CeGaT Center for Human Genetics Tuebingen
Classification: Likely benign. Last evaluated: 2025-12-01. Review status: criteria provided, single submitter. Criteria: CeGaT Center For Human Genetics Tuebingen Variant Classification Criteria Version 2. Collection method: clinical testing. Allele origin: germline. Affected: yes. Observed: 3 variant alleles.
Comment: IGF1R: BP4, BP7

Labcorp Genetics (formerly Invitae), Labcorp
Classification: Likely benign. Last evaluated: 2025-07-23. Review status: criteria provided, single submitter. Criteria: Invitae Variant Classification Sherloc (09022015). Collection method: clinical testing. Allele origin: germline.

Blueprint Genetics
Classification: Likely benign. Last evaluated: 2024-11-25. Review status: criteria provided, single submitter. Criteria: ACMG Guidelines, 2015. Collection method: clinical testing. Allele origin: germline.

Eurofins Ntd Llc (ga)
Classification: Uncertain significance. Last evaluated: 2018-05-02. Review status: criteria provided, single submitter. Criteria: EGL ClinVar v180209 classification definitions. Collection method: clinical testing. Allele origin: germline. Observed: 1 variant allele, 1 heterozygote.

Illumina Laboratory Services, Illumina
Classification: Uncertain significance for Growth delay due to insulin-like growth factor I resistance. Last evaluated: 2017-04-28. Review status: criteria provided, single submitter. Criteria: ICSL Variant Classification Criteria 13 December 2019. Collection method: clinical testing. Allele origin: germline.

PreventionGenetics, part of Exact Sciences
Classification: Likely benign for IGF1R-related condition. Last evaluated: 2024-03-08. Review status: no assertion criteria provided. Collection method: clinical testing. Allele origin: germline. Not counted in ClinVar's aggregate classification.
Comment: This variant is classified as likely benign based on ACMG/AMP sequence variant interpretation guidelines (Richards et al. 2015 PMID: 25741868, with internal and published modifications).